The following is an entry in ClinVar:

NM_014940.4(MON1B):c.471C>T (p.Tyr157=)

Gene: MON1B (MON1 vesicular trafficking associated B; plus strand). Cytogenetic location: 16q23.1.
Variant type: single nucleotide variant.
Coding change: c.471C>T on transcript NM_014940.4 (MANE Select); coding-DNA position 471, C replaced by T.
Protein change: p.Tyr157=; no amino-acid change (tyrosine 157 retained).
Molecular consequence: synonymous variant. On other transcripts: intron variant (2).
Genome position (GRCh38, 1-based): chr16:77,193,773, C>T. VCF-style: chr16-77193773-C-T. GRCh37 (hg19) VCF-style: chr16-77227670-C-T.
Other names: c.149-562C>T (NM_001286639.2); c.38-562C>T (NM_001286640.2).
Identifiers: ClinVar variation 4534348 (VCV004534348.6).

ClinVar aggregate classification (germline): Likely benign (1 of 4 stars; one submission).

gnomAD v4.1: 65 of 1,606,160 alleles (0.004%); highest among the groups gnomAD compares: Admixed American, 0.025%; no homozygotes.

Submission:

CeGaT Center for Human Genetics Tuebingen
Classification: Likely benign. Last evaluated: 2025-09-01. Review status: criteria provided, single submitter. Criteria: CeGaT Center For Human Genetics Tuebingen Variant Classification Criteria Version 2. Collection method: clinical testing. Allele origin: germline. Affected: yes. Observed: 1 variant allele.
Comment: MON1B: BP4, BP7